The following is an entry in ClinVar:

NM_001365276.2(TNXB):c.4519C>T (p.Gln1507Ter)

Gene: TNXB (tenascin XB; minus strand). Cytogenetic location: 6p21.33.
Variant type: single nucleotide variant.
Coding change: c.4519C>T on transcript NM_001365276.2 (MANE Select); coding-DNA position 4519, C replaced by T.
Protein change: p.Gln1507Ter; replaces glutamine 1507 with a stop codon.
Molecular consequence: nonsense.
Genome position (GRCh38, 1-based): chr6:32,073,809, G>A on the plus strand (C>T on the coding strand, the complement: TNXB is on the minus strand). VCF-style: chr6-32073809-G-A. GRCh37 (hg19) VCF-style: chr6-32041586-G-A.
Other names: c.5260C>T, p.Gln1754Ter (NM_001428335.1); c.4519C>T, p.Gln1507Ter (NM_019105.8); short protein forms Q1507*, Q1754*.
Identifiers: ClinVar variation 5013686 (VCV005013686.1).
Genomic context (GRCh38, chr6:32,073,809, plus strand): 5'-CCTCTCGCTGGTCTGCCGCCACCGGCACCACCTGGGGCTGCCCGTCCTTGTCCTTGTACT[G>A]GACTATGAAGGAGTCAAACTGGCCCTCGGGGACTGTCCAGGAGAGGCCCACAGAGTTGGG-3'

ClinVar aggregate classification (germline): Pathogenic (1 of 4 stars; one submission).

Conditions:
Ehlers-Danlos syndrome due to tenascin-X deficiency (EDSCLL1). Also called: Ehlers-Danlos syndrome, classic-like, 1; EHLERS-DANLOS SYNDROME, CLASSIC-LIKE; TNXB-Related Classical-Like Ehlers-Danlos Syndrome; EDS DUE TO TNX DEFICIENCY; TNX DEFICIENCY. Identifiers: Orphanet 230839, MedGen C1848029, MONDO:0011670, OMIM 606408.

gnomAD v4.1: 5 of 1,612,708 alleles (0.00031%); highest among the groups gnomAD compares: Non-Finnish European, 0.00042%; no homozygotes.

Submission:

Myriad Genetics, Inc.
Classification: Pathogenic for Ehlers-Danlos syndrome due to tenascin-X deficiency. Last evaluated: 2024-10-30. Review status: criteria provided, single submitter. Criteria: Myriad Autosomal Dominant, Autosomal Recessive and X-Linked Classification Criteria (2023). Collection method: clinical testing. Allele origin: unknown.
Comment: NM_019105.6(TNXB):c.4519C>T(Q1507*) is expected to be pathogenic in the context of classical-like Ehlers-Danlos syndrome, TNXB-related. This variant is predicted to lead to an abnormal or absent protein product due to the creation of a premature termination codon in TNXB, a gene where loss-of-function variants are known to be pathogenic. Please note: this variant was assessed in the context of healthy population screening.